The following is an entry in ClinVar:

NM_145207.3(AFG2A):c.1059_1063del (p.Met354fs)

Gene: AFG2A (AFG2 AAA ATPase homolog A; plus strand). Cytogenetic location: 4q28.1.
Variant type: Deletion.
Coding change: c.1059_1063del on transcript NM_145207.3 (MANE Select); coding-DNA positions 1059 to 1063, 5 bases deleted (CATGA; older notation c.1059_1063delCATGA).
Protein change: p.Met354fs; shifts the reading frame from methionine 354.
Molecular consequence: frameshift variant.
Genome position (GRCh38, 1-based): chr4:122,934,650-122,934,654, CATGA deleted; deleting any 5 consecutive bases within chr4:122,934,646-122,934,654 gives the same sequence; the c. name uses the placement nearest the transcript's 3' end. VCF-style (leftmost placement, unchanged base first): chr4-122934645-TATGAC-T. GRCh37 (hg19) VCF-style: chr4-123855800-TATGAC-T.
Other names: c.1056_1060del, p.Met353fs (NM_001317799.2, NM_001345856.2); c.1059_1063delCATGA (NM_145207.3); short protein forms M353fs, M354fs.
Identifiers: ClinVar variation 3233672 (VCV003233672.2), dbSNP rs2476809264, ClinGen allele CA2671996848.

ClinVar aggregate classification (germline): Pathogenic (1 of 4 stars; one submission).

Conditions:
Microcephaly-intellectual disability-sensorineural hearing loss-epilepsy-abnormal muscle tone syndrome (NEDHSB). Also called: NEURODEVELOPMENTAL DISORDER WITH HEARING LOSS, SEIZURES, AND BRAIN ABNORMALITIES. Identifiers: Orphanet 457351, MedGen C4225276, MONDO:0014698, OMIM 616577.

Submission:

Women's Health and Genetics/Laboratory Corporation of America, LabCorp
Classification: Pathogenic for Microcephaly-intellectual disability-sensorineural hearing loss-epilepsy-abnormal muscle tone syndrome. Last evaluated: 2024-03-04. Review status: criteria provided, single submitter. Criteria: LabCorp Variant Classification Summary - May 2015. Collection method: clinical testing. Allele origin: germline.
Comment: Variant summary: SPATA5 c.1059_1063delCATGA (p.Met354ArgfsX5) results in a premature termination codon, predicted to cause absence of the protein due to nonsense mediated decay, which is a commonly known mechanism for disease. The variant was absent in 250274 control chromosomes (gnomAD). To our knowledge, no occurrence of c.1059_1063delCATGA in individuals affected with Epilepsy, Hearing Loss, And Mental Retardation Syndrome and no experimental evidence demonstrating its impact on protein function have been reported. No submitters have cited clinical-significance assessments for this variant to ClinVar. Based on the evidence outlined above, the variant was classified as pathogenic.